The following is an entry in ClinVar:

NM_003119.4(SPG7):c.1939G>T (p.Ala647Ser)

Gene: SPG7 (SPG7 matrix AAA peptidase subunit, paraplegin; plus strand). Cytogenetic location: 16q24.3.
Variant type: single nucleotide variant.
Coding change: c.1939G>T on transcript NM_003119.4 (MANE Select); coding-DNA position 1939, G replaced by T.
Protein change: p.Ala647Ser; replaces alanine 647 with serine.
Molecular consequence: missense variant.
Genome position (GRCh38, 1-based): chr16:89,553,796, G>T. VCF-style: chr16-89553796-G-T. GRCh37 (hg19) VCF-style: chr16-89620204-G-T.
Other names: p.Ala647Ser; c.1939G>T, p.Ala647Ser (NM_001363850.1); short protein forms A647S.
Identifiers: ClinVar variation 449759 (VCV000449759.20), dbSNP rs199689138, ClinGen allele CA8244495.

ClinVar aggregate classification (germline): Conflicting classifications of pathogenicity. Review status: criteria provided, conflicting classifications (1 of 4 stars). 7 submissions from 7 submitters: Likely pathogenic (1); Uncertain significance (6). Last evaluated 2026-04-21.

Conditions:
SPG7-related disorder. Also called: SPG7-related condition.
Hereditary spastic paraplegia. Also called: Familial spastic paraparesis. Identifiers: Orphanet 685, MedGen C0037773, MONDO:0019064. Disease mechanism: loss of function.
Hereditary spastic paraplegia 7 (SPG7). Also called: SPASTIC PARAPLEGIA 7, AUTOSOMAL RECESSIVE, WITH OR WITHOUT CEREBELLAR ATAXIA; SPG7-related neurologic disorder; Spastic paraplegia 7; Hereditary spastic paraplegia Paraplegin type; Autosomal recessive spastic paraplegia type 7. Identifiers: Orphanet 99013, MedGen C1846564, MONDO:0011803, OMIM 607259.

Allele frequency attached by ClinVar (database versions not stated): ExAC 0.00007; gnomAD exomes 0.00008; gnomAD 0.00015 and 0.00017; TOPMed 0.00015; ESP Exome Variant Server 0.00031.
gnomAD v4.1: 345 of 1,613,344 alleles (0.021%); highest among the groups gnomAD compares: Non-Finnish European, 0.027%; no homozygotes.

Submissions (7):

Victorian Clinical Genetics Services, Murdoch Childrens Research Institute
Classification: Uncertain significance for Hereditary spastic paraplegia 7. Last evaluated: 2026-04-21. Review status: criteria provided, single submitter. Criteria: ACMG Guidelines, 2015. Collection method: clinical testing. Allele origin: germline. Affected: yes.
Comment: This variant is classified as VUS-3A. Evidence in support of pathogenic classification: Variant is present in gnomAD <0.01 (v4: 345 heterozygote(s), 0 homozygote(s)); Another variant type variant comparable to the one identified in this case has limited previous evidence for pathogenicity. p.(Ala647Val) has been classified as a VUS and likely pathogenic by clinical laboratories in ClinVar, and has also been reported in the literature in a compound heterozygous individual with HSP (PMID: 33598982) - Missense variant predicted to be damaging by in silico tool(s) or highly conserved with a major amino acid change. Additional information: Variant is predicted to result in a missense amino acid change from Ala to Ser; This variant is heterozygous; This gene is associated with both recessive and dominant disease. This gene is associated with autosomal recessive spastic paraplegia 7 and autosomal dominant optic atrophy (PMIDs: 31854126, 32548275); Alternative amino acid change(s) at the same position are present in gnomAD (highest allele count: v4: 2 heterozygote(s), 0 homozygote(s)); Previous reports of pathogenicity for this variant are conflicting. This variant has been classified as likely pathogenic and more commonly as a VUS by clinical laboratories in ClinVar. This variant has also been reported in cohort studies for amyotrophic lateral sclerosis and suspected mitochondrial disorders; however, further clinical details were not provided for these individuals (PMIDs: 41877227, 33300680); No published evidence of segregation with disease has been identified for this variant; No published functional evidence has been identified for this variant; Variant is located in the annotated peptidase family M41 domain (DECIPHER). - Loss of function is a known mechanism of disease in this gene and is associated with spastic paraplegia 7 (MIM#607259) and optic atrophy (MONDO:0003608), SPG7-related; Inheritance information for this variant is not currently available in this individual.

PreventionGenetics, part of Exact Sciences
Classification: Uncertain significance for SPG7-related condition. Last evaluated: 2026-02-17. Review status: criteria provided, single submitter. Criteria: ACMG Guidelines, 2015. Collection method: clinical testing. Allele origin: germline.
Comment: The SPG7 c.1939G>T variant is predicted to result in the amino acid substitution p.Ala647Ser. To our knowledge, this variant has not been reported in the literature. This variant is reported in 0.031% of alleles in individuals of Latino descent in gnomAD. At this time, the clinical significance of this variant is uncertain due to the absence of conclusive functional and genetic evidence.

GeneDx
Classification: Likely pathogenic. Last evaluated: 2025-11-14. Review status: criteria provided, single submitter. Criteria: GeneDx Variant Classification Process June 2021. Collection method: clinical testing. Allele origin: germline. Affected: yes.
Comment: In silico analysis supports that this missense variant has a deleterious effect on protein structure/function; Has not been previously published as pathogenic or benign to our knowledge; This variant is associated with the following publications: (PMID: 22571692)

Labcorp Genetics (formerly Invitae), Labcorp
Classification: Uncertain significance for Hereditary spastic paraplegia 7. Last evaluated: 2025-09-30. Review status: criteria provided, single submitter. Criteria: Invitae Variant Classification Sherloc (09022015). Collection method: clinical testing. Allele origin: germline.
Comment: This sequence change replaces alanine, which is neutral and non-polar, with serine, which is neutral and polar, at codon 647 of the SPG7 protein (p.Ala647Ser). This variant is present in population databases (rs199689138, gnomAD 0.02%). This variant has not been reported in the literature in individuals affected with SPG7-related conditions. ClinVar contains an entry for this variant (Variation ID: 449759). An algorithm developed to predict the effect of missense changes on protein structure and function (PolyPhen-2) suggests that this variant is likely to be disruptive. In summary, the available evidence is currently insufficient to determine the role of this variant in disease. Therefore, it has been classified as a Variant of Uncertain Significance.

Mayo Clinic Laboratories, Mayo Clinic
Classification: Uncertain significance. Last evaluated: 2025-04-29. Review status: criteria provided, single submitter. Criteria: ACMG Guidelines, 2015. Collection method: clinical testing. Allele origin: germline. Observed: 1 variant allele.
Comment: PP3_moderate

Baylor Genetics
Classification: Uncertain significance for Hereditary spastic paraplegia 7. Last evaluated: 2018-03-01. Review status: criteria provided, single submitter. Criteria: ACMG Guidelines, 2015. Collection method: clinical testing. Allele origin: unknown. Affected: yes.
Comment: This variant was determined to be of uncertain significance according to ACMG Guidelines, 2015 [PMID:25741868].

Genome Diagnostics Laboratory, The Hospital for Sick Children
Classification: Uncertain significance for Hereditary spastic paraplegia. Last evaluated: 2018-01-01. Review status: criteria provided, single submitter. Criteria: ACMG Guidelines, 2015. Collection method: clinical testing. Allele origin: germline. Affected: yes.

Literature cited by the submitters: PubMed 31854126 (cited by Victorian Clinical Genetics Services, Murdoch Childrens Research Institute); PubMed 33300680 (cited by Victorian Clinical Genetics Services, Murdoch Childrens Research Institute); PubMed 33598982 (cited by Victorian Clinical Genetics Services, Murdoch Childrens Research Institute); PubMed 32548275 (cited by Victorian Clinical Genetics Services, Murdoch Childrens Research Institute); PubMed 41877227 (cited by Victorian Clinical Genetics Services, Murdoch Childrens Research Institute).